The following is an entry in ClinVar:

ClinVar aggregate classification (germline): Uncertain significance (1 of 4 stars; one submission).

Allele frequency attached by ClinVar (database versions not stated): TOPMed below 0.00001.

Submission:

Labcorp Genetics (formerly Invitae), Labcorp
Classification: Uncertain significance. Last evaluated: 2023-10-09. Review status: criteria provided, single submitter. Criteria: Invitae Variant Classification Sherloc (09022015). Collection method: clinical testing. Allele origin: germline.
Comment: This sequence change falls in intron 38 of the ANK1 gene. It does not directly change the encoded amino acid sequence of the ANK1 protein. This variant is not present in population databases (gnomAD no frequency). This variant has not been reported in the literature in individuals affected with ANK1-related conditions. Algorithms developed to predict the effect of sequence changes on RNA splicing suggest that this variant may disrupt the consensus splice site. In summary, the available evidence is currently insufficient to determine the role of this variant in disease. Therefore, it has been classified as a Variant of Uncertain Significance.

NM_000037.4(ANK1):c.5097-9G>A

Gene: ANK1 (ankyrin 1; minus strand). Cytogenetic location: 8p11.21.
Variant type: single nucleotide variant.
Coding change: c.5097-9G>A on transcript NM_000037.4 (MANE Select); 9 bases into the intron before coding-DNA position 5097, G replaced by A.
Molecular consequence: intron variant.
Genome position (GRCh38, 1-based): chr8:41,668,573, C>T on the plus strand (G>A on the coding strand, the complement: ANK1 is on the minus strand). VCF-style: chr8-41668573-C-T. GRCh37 (hg19) VCF-style: chr8-41526091-C-T.
Other names: c.5220-9G>A (NM_001142446.2); c.4611-9G>A (NM_020477.3); c.5097-9G>A (NM_020475.3, NM_020476.3).
Identifiers: ClinVar variation 2767334 (VCV002767334.3), dbSNP rs1811274762, ClinGen allele CA1779071393.
Genomic context (GRCh38, chr8:41,668,573, plus strand): 5'-AGCATCTTGCAGGTATGAGACAATCGAGCCGTCTGCATCCCAGTCCTGCAGTCTGGGGTC[C>T]AGAAGAAGCAGCAGATGGCCGGCCGGGGAGAGAGAAAAGACACCTGGTCACCCATCAGTC-3'